The following is an entry in ClinVar:

ClinVar aggregate classification (germline): Uncertain significance (1 of 4 stars; one submission).

Conditions:
Cardiomyopathy (CMYO). Also called: Cardiomyopathies. Identifiers: Orphanet 167848, MedGen C0878544, MONDO:0004994, HP:0001638. Inheritance: Various modes of inheritance.

Submission:

Color Diagnostics, LLC DBA Color Health
Classification: Uncertain significance for Cardiomyopathy. Last evaluated: 2025-11-24. Review status: criteria provided, single submitter. Criteria: ACMG Guidelines, 2015. Collection method: clinical testing. Allele origin: germline.
Comment: This variant causes the deletion of a single isoleucine amino acid at codon 1299 in the RYR2 protein. To our knowledge, functional studies have not been reported for this variant. This variant has not been reported in individuals affected with RYR2-related disorders in the literature. This variant has not been identified in the general population by the Genome Aggregation Database (gnomAD). The available evidence is insufficient to determine the role of this variant in disease conclusively. Therefore, this variant is classified as a Variant of Uncertain Significance.

NM_001035.3(RYR2):c.3897_3899del (p.Ile1299del)

Genes: RYR2 (ryanodine receptor 2; plus strand), LOC126806067 (BRD4-independent group 4 enhancer GRCh37_chr1:237753258-237754457; plus strand). Cytogenetic location: 1q43.
Variant type: Deletion.
Coding change: c.3897_3899del on transcript NM_001035.3 (MANE Select); coding-DNA positions 3897 to 3899, 3 bases deleted (CAT; older notation c.3897_3899delCAT).
Protein change: p.Ile1299del; deletes isoleucine 1299.
Genome position (GRCh38, 1-based): chr1:237,590,729-237,590,731, CAT deleted; deleting any 3 consecutive bases within chr1:237,590,727-237,590,731 gives the same sequence; the c. name uses the placement nearest the transcript's 3' end. VCF-style (leftmost placement, unchanged base first): chr1-237590726-TATC-T. GRCh37 (hg19) VCF-style: chr1-237754026-TATC-T.
Other names: short protein forms I1299del.
Identifiers: ClinVar variation 4759169 (VCV004759169.1).